The following is an entry in ClinVar:

ClinVar aggregate classification (germline): Conflicting classifications of pathogenicity. Review status: criteria provided, conflicting classifications (1 of 4 stars). 13 submissions from 13 submitters: Uncertain significance (1); Benign (2); Likely benign (9). 1 of the submissions does not count toward it. Last evaluated 2026-02-03.

Conditions:
Hereditary nonpolyposis colorectal neoplasms. Identifiers: MedGen C0009405, MeSH D003123.
Hereditary cancer-predisposing syndrome. Also called: Tumor predisposition; Hereditary Cancer Syndrome; Hereditary neoplastic syndrome; Neoplastic Syndromes, Hereditary. Identifiers: Orphanet 140162, MedGen C0027672, MeSH D009386, MONDO:0015356.
Lynch syndrome. Identifiers: Orphanet 144, MedGen C4552100, MONDO:0005835. Disease mechanism: loss of function.
Lynch syndrome 5 (LYNCH5). Also called: Colorectal cancer, hereditary nonpolyposis, type 5; Hereditary non-polyposis colorectal cancer, type 5. Identifiers: Orphanet 144, MedGen C1833477, MONDO:0013710, OMIM 614350. Disease mechanism: loss of function.

Allele frequency attached by ClinVar (database versions not stated): gnomAD 0.00001; gnomAD exomes 0.00003 and 0.00006; ExAC 0.00004; TOPMed 0.00006.
gnomAD v4.1: 22 of 1,578,338 alleles (0.0014%); highest among the groups gnomAD compares: Admixed American, 0.04%; no homozygotes.

Submissions (13):

Labcorp Genetics (formerly Invitae), Labcorp
Classification: Likely benign for Hereditary nonpolyposis colorectal neoplasms. Last evaluated: 2026-02-03. Review status: criteria provided, single submitter. Criteria: Invitae Variant Classification Sherloc (09022015). Collection method: clinical testing. Allele origin: germline.

Myriad Genetics, Inc.
Classification: Benign for Lynch syndrome 5. Last evaluated: 2025-01-02. Review status: criteria provided, single submitter. Criteria: Myriad Autosomal Dominant, Autosomal Recessive and X-Linked Classification Criteria (2023). Collection method: clinical testing. Allele origin: unknown.
Comment: This variant is considered benign. This variant is a silent/synonymous amino acid change and it is not expected to impact splicing.

All of Us Research Program, National Institutes of Health
Classification: Likely benign for Lynch syndrome. Last evaluated: 2024-02-05. Review status: criteria provided, single submitter. Criteria: ACMG Guidelines, 2015. Collection method: clinical testing. Allele origin: germline. Inheritance: Autosomal dominant inheritance. Observed: 13 variant alleles, 13 heterozygotes.
Comment: This study involves interpretation of variants in research participants for the purpose of population health screening. Participant phenotype was not available at the time of variant classification. Additional details can be found in publication PMID: 35346344, PMCID: PMC8962531

ARUP Laboratories, Molecular Genetics and Genomics, ARUP Laboratories
Classification: Likely benign. Last evaluated: 2022-12-28. Review status: criteria provided, single submitter. Criteria: ARUP Molecular Germline Variant Investigation Process 2024. Collection method: clinical testing. Allele origin: germline.

Women's Health and Genetics/Laboratory Corporation of America, LabCorp
Classification: Likely benign. Last evaluated: 2022-04-29. Review status: criteria provided, single submitter. Criteria: LabCorp Variant Classification Summary - May 2015. Collection method: clinical testing. Allele origin: germline.

Quest Diagnostics Nichols Institute San Juan Capistrano
Classification: Likely benign. Last evaluated: 2022-03-11. Review status: criteria provided, single submitter. Criteria: Quest Diagnostics criteria. Collection method: clinical testing. Allele origin: unknown.

Sema4
Classification: Likely benign for Hereditary cancer-predisposing syndrome. Last evaluated: 2021-05-21. Review status: criteria provided, single submitter. Criteria: Sema4 Curation Guidelines. Collection method: curation. Allele origin: germline.

Illumina Laboratory Services, Illumina
Classification: Uncertain significance for Lynch syndrome 5. Last evaluated: 2018-01-12. Review status: criteria provided, single submitter. Criteria: ICSL Variant Classification Criteria 13 December 2019. Collection method: clinical testing. Allele origin: germline.

PreventionGenetics, part of Exact Sciences
Classification: Likely benign. Last evaluated: 2017-03-21. Review status: criteria provided, single submitter. Criteria: ACMG Guidelines, 2015. Collection method: clinical testing. Allele origin: germline.

Color Diagnostics, LLC DBA Color Health
Classification: Likely benign for Hereditary cancer-predisposing syndrome. Last evaluated: 2016-12-06. Review status: criteria provided, single submitter. Criteria: ACMG Guidelines, 2015. Collection method: clinical testing. Allele origin: germline.

Ambry Genetics
Classification: Likely benign for Hereditary cancer-predisposing syndrome. Last evaluated: 2014-08-13. Review status: criteria provided, single submitter. Criteria: Ambry Variant Classification Scheme 2023. Collection method: clinical testing. Allele origin: germline.

GeneDx
Classification: Benign. Last evaluated: 2014-08-12. Review status: criteria provided, single submitter. Criteria: GeneDx Variant Classification (06012015). Collection method: clinical testing. Allele origin: germline. Affected: yes.
Comment: This variant is considered likely benign or benign based on one or more of the following criteria: it is a conservative change, it occurs at a poorly conserved position in the protein, it is predicted to be benign by multiple in silico algorithms, and/or has population frequency not consistent with disease.

True Health Diagnostics
Classification: Likely benign for Hereditary cancer-predisposing syndrome. Last evaluated: 2018-04-09. Review status: no assertion criteria provided. Collection method: clinical testing. Allele origin: germline. Not counted in ClinVar's aggregate classification.

NM_000179.3(MSH6):c.2940A>G (p.Glu980=)

Gene: MSH6 (mutS homolog 6; plus strand). Cytogenetic location: 2p16.3.
Variant type: single nucleotide variant.
Coding change: c.2940A>G on transcript NM_000179.3 (MANE Select); coding-DNA position 2940, A replaced by G.
Protein change: p.Glu980=; no amino-acid change (glutamic acid 980 retained).
Molecular consequence: synonymous variant.
Genome position (GRCh38, 1-based): chr2:47,800,923, A>G. VCF-style: chr2-47800923-A-G. GRCh37 (hg19) VCF-style: chr2-48028062-A-G.
Other names: p.E980E:GAA>GAG; c.2550A>G, p.Glu850= (NM_001281492.2); c.2034A>G, p.Glu678= (NM_001281493.2, NM_001281494.2).
Identifiers: ClinVar variation 182666 (VCV000182666.29), dbSNP rs730881818, ClinGen allele CA011134.